The following is an entry in ClinVar:

NM_000059.4(BRCA2):c.1637G>T (p.Cys546Phe)

Gene: BRCA2 (BRCA2 DNA repair associated; plus strand). Cytogenetic location: 13q13.1.
Variant type: single nucleotide variant.
Coding change: c.1637G>T on transcript NM_000059.4 (MANE Select); coding-DNA position 1637, G replaced by T.
Protein change: p.Cys546Phe; replaces cysteine 546 with phenylalanine.
Molecular consequence: missense variant. On other transcripts: non-coding transcript variant (1), intron variant (1).
Genome position (GRCh38, 1-based): chr13:32,333,115, G>T. VCF-style: chr13-32333115-G-T. GRCh37 (hg19) VCF-style: chr13-32907252-G-T.
Other names: c.1637G>T, p.Cys546Phe (NM_001406719.1, NM_001406720.1, NM_001406721.1); c.424+2085G>T (NM_001406722.1); short protein forms C546F.
Identifiers: ClinVar variation 2579502 (VCV002579502.2), dbSNP rs2137473440, ClinGen allele CA387764950.

ClinVar aggregate classification (germline): Uncertain significance. Review status: criteria provided, multiple submitters, no conflicts (2 of 4 stars). 2 submissions from 2 submitters: Uncertain significance (2). Last evaluated 2026-04-06.

Conditions:
Hereditary cancer-predisposing syndrome. Also called: Neoplastic Syndromes, Hereditary; Tumor predisposition; Hereditary Cancer Syndrome; Hereditary neoplastic syndrome. Identifiers: Orphanet 140162, MedGen C0027672, MeSH D009386, MONDO:0015356.

Allele frequency attached by ClinVar (database versions not stated): gnomAD exomes below 0.00001.

Submissions (2):

Ambry Genetics
Classification: Uncertain significance for Hereditary cancer-predisposing syndrome. Last evaluated: 2026-04-06. Review status: criteria provided, single submitter. Criteria: Ambry Variant Classification Scheme 2023. Collection method: clinical testing. Allele origin: germline.
Comment: The p.C546F variant (also known as c.1637G>T), located in coding exon 9 of the BRCA2 gene, results from a G to T substitution at nucleotide position 1637. The cysteine at codon 546 is replaced by phenylalanine, an amino acid with highly dissimilar properties. This amino acid position is conserved. In addition, this alteration is predicted to be tolerated by in silico analysis. Based on the available evidence, the clinical significance of this variant remains unclear.

GeneDx
Classification: Uncertain significance. Last evaluated: 2023-03-10. Review status: criteria provided, single submitter. Criteria: GeneDx Variant Classification Process June 2021. Collection method: clinical testing. Allele origin: germline. Affected: yes.
Comment: Not observed at significant frequency in large population cohorts (gnomAD); In silico analysis supports that this missense variant does not alter protein structure/function; Has not been previously published as pathogenic or benign to our knowledge; Also known as 1865G>T; This variant is associated with the following publications: (PMID: 29884841, 32377563)